The following is an entry in ClinVar:

NM_000077.5(CDKN2A):c.395C>T (p.Ala132Val)

Gene: CDKN2A (cyclin dependent kinase inhibitor 2A; minus strand). Cytogenetic location: 9p21.3.
Variant type: single nucleotide variant.
Coding change: c.395C>T on transcript NM_000077.5; coding-DNA position 395, C replaced by T.
Protein change: p.Ala132Val; replaces alanine 132 with valine.
Molecular consequence: missense variant (on NM_000077.6). On other transcripts: 3 prime UTR variant (2).
Genome position (GRCh38, 1-based): chr9:21,970,964, G>A on the plus strand (C>T on the coding strand, the complement: CDKN2A is on the minus strand). VCF-style: chr9-21970964-G-A. GRCh37 (hg19) VCF-style: chr9-21970963-G-A.
Other names: c.395C>T, p.Ala132Val (NM_000077.6, NM_001195132.2); c.242C>T, p.Ala81Val (NM_001363763.2); c.*39C>T (NM_058195.4); c.*318C>T (NM_058197.5); short protein forms A132V, A81V.
Identifiers: ClinVar variation 630452 (VCV000630452.10), dbSNP rs1413479756, ClinGen allele CA373085919.

ClinVar aggregate classification (germline): Uncertain significance. Review status: criteria provided, multiple submitters, no conflicts (2 of 4 stars). 3 submissions from 3 submitters: Uncertain significance (3). Last evaluated 2026-01-12.

Conditions:
Familial melanoma. Also called: Hereditary melanoma; Hereditary cutaneous melanoma. Identifiers: Orphanet 618, MedGen C1512419, MONDO:0018961.
Hereditary cancer-predisposing syndrome. Also called: Tumor predisposition; Neoplastic Syndromes, Hereditary; Hereditary Cancer Syndrome; Hereditary neoplastic syndrome. Identifiers: Orphanet 140162, MedGen C0027672, MeSH D009386, MONDO:0015356.

Allele frequency attached by ClinVar (database versions not stated): gnomAD exomes below 0.00001.

Submissions (3):

Labcorp Genetics (formerly Invitae), Labcorp
Classification: Uncertain significance for Familial melanoma. Last evaluated: 2026-01-12. Review status: criteria provided, single submitter. Criteria: Invitae Variant Classification Sherloc (09022015). Collection method: clinical testing. Allele origin: germline.
Comment: This sequence change replaces alanine, which is neutral and non-polar, with valine, which is neutral and non-polar, at codon 132 of the CDKN2A (p16INK4a) protein (p.Ala132Val). The frequency data for this variant in the population databases is considered unreliable, as metrics indicate poor data quality at this position in the gnomAD database. This variant has not been reported in the literature in individuals affected with CDKN2A (p16INK4a)-related conditions. ClinVar contains an entry for this variant (Variation ID: 630452). An algorithm developed to predict the effect of missense changes on protein structure and function outputs the following: PolyPhen-2: "Benign". The valine amino acid residue is found in multiple mammalian species, which suggests that this missense change does not adversely affect protein function. In summary, the available evidence is currently insufficient to determine the role of this variant in disease. Therefore, it has been classified as a Variant of Uncertain Significance.

Ambry Genetics
Classification: Uncertain significance for Hereditary cancer-predisposing syndrome. Last evaluated: 2023-11-21. Review status: criteria provided, single submitter. Criteria: Ambry Variant Classification Scheme 2023. Collection method: clinical testing. Allele origin: germline.
Comment: The p.A132V variant (also known as c.395C>T), located in coding exon 2 of the CDKN2A gene, results from a C to T substitution at nucleotide position 395. The alanine at codon 132 is replaced by valine, an amino acid with similar properties. This amino acid position is not well conserved in available vertebrate species. In addition, this alteration is predicted to be tolerated by in silico analysis. Since supporting evidence is limited at this time, the clinical significance of this alteration remains unclear.

Color Diagnostics, LLC DBA Color Health
Classification: Uncertain significance for Hereditary cancer-predisposing syndrome. Last evaluated: 2020-11-17. Review status: criteria provided, single submitter. Criteria: ACMG Guidelines, 2015. Collection method: clinical testing. Allele origin: germline.
Comment: This missense variant replaces alanine with valine at codon 132 of the CDKN2A (p16INK4A) protein. Computational prediction suggests that this variant may not impact protein structure and function (internally defined REVEL score threshold <= 0.5, PMID: 27666373). To our knowledge, functional studies have not been reported for this variant. This variant has not been reported in individuals affected with hereditary cancer in the literature. This variant has been identified in 1/245222 chromosomes in the general population by the Genome Aggregation Database (gnomAD). The available evidence is insufficient to determine the role of this variant in disease conclusively. Therefore, this variant is classified as a Variant of Uncertain Significance.